The following is an entry in ClinVar:

ClinVar aggregate classification (germline): Likely benign (1 of 4 stars; one submission).

Submission:

Mayo Clinic Laboratories, Mayo Clinic
Classification: Likely benign. Last evaluated: 2025-10-21. Review status: criteria provided, single submitter. Criteria: ACMG Guidelines, 2015. Collection method: clinical testing. Allele origin: germline. Observed: 1 variant allele.
Comment: BP4, BP7

NM_031157.4(HNRNPA1):c.456C>G (p.Thr152=)

Gene: HNRNPA1 (heterogeneous nuclear ribonucleoprotein A1; plus strand). Cytogenetic location: 12q13.13.
Variant type: single nucleotide variant.
Coding change: c.456C>G on transcript NM_031157.4 (MANE Select); coding-DNA position 456, C replaced by G.
Protein change: p.Thr152=; no amino-acid change (threonine 152 retained).
Molecular consequence: synonymous variant. On other transcripts: non-coding transcript variant (1).
Genome position (GRCh38, 1-based): chr12:54,282,266, C>G. VCF-style: chr12-54282266-C-G. GRCh37 (hg19) VCF-style: chr12-54676050-C-G.
Other names: p.Thr152=; c.456C>G, p.Thr152= (NM_002136.4).
Identifiers: ClinVar variation 4683756 (VCV004683756.1).